The following is an entry in ClinVar:

NM_024577.4(SH3TC2):c.1520_1523del (p.Phe507fs)

Gene: SH3TC2 (SH3 domain and tetratricopeptide repeats 2; minus strand). Cytogenetic location: 5q32.
Variant type: Deletion.
Coding change: c.1520_1523del on transcript NM_024577.4 (MANE Select); coding-DNA positions 1520 to 1523, 4 bases deleted (TTGT; older notation c.1520_1523delTTGT).
Protein change: p.Phe507fs; shifts the reading frame from phenylalanine 507.
Molecular consequence: frameshift variant.
Genome position (GRCh38, 1-based): chr5:149,028,209-149,028,212, ACAA deleted on the plus strand (TTGT on the coding strand, the reverse complement: SH3TC2 is on the minus strand); deleting any 4 consecutive bases within chr5:149,028,209-149,028,214 gives the same sequence; the c. name uses the placement nearest the transcript's 3' end. VCF-style (leftmost placement, unchanged base first): chr5-149028208-CACAA-C. GRCh37 (hg19) VCF-style: chr5-148407771-CACAA-C.
Other names: c.1520_1523delTTGT (NM_024577.3); short protein forms F507fs.
Identifiers: ClinVar variation 570428 (VCV000570428.8), dbSNP rs1561765311, ClinGen allele CA891843102.

ClinVar aggregate classification (germline): Pathogenic (1 of 4 stars; one submission).

Conditions:
Charcot-Marie-Tooth disease type 4. Also called: Charcot-Marie-Tooth, Type 4; Charcot-Marie-Tooth disease, type IV. Identifiers: Orphanet 64749, MedGen C4082197, MONDO:0018995.

Submission:

Labcorp Genetics (formerly Invitae), Labcorp
Classification: Pathogenic for Charcot-Marie-Tooth disease type 4. Last evaluated: 2017-09-25. Review status: criteria provided, single submitter. Criteria: Invitae Variant Classification Sherloc (09022015). Collection method: clinical testing. Allele origin: germline.
Comment: For these reasons, this variant has been classified as Pathogenic. This variant has been reported in an individual affected with autosomal recessive Charcot-Marie-Tooth disease (PMID: 26392352). Loss-of-function variants in SH3TC2 are known to be pathogenic (PMID: 20220177). This sequence change creates a premature translational stop signal (p.Phe507Trpfs*16) in the SH3TC2 gene. It is expected to result in an absent or disrupted protein product. This variant is not present in population databases (ExAC no frequency).

Literature cited by the submitters: PubMed 26392352; PubMed 20220177.